The following is an entry in ClinVar:

ClinVar aggregate classification (germline): Likely benign (1 of 4 stars; one submission).

Allele frequency attached by ClinVar (database versions not stated): 1000 Genomes Project 0.00180; 1000 Genomes Project 30x 0.00234; ExAC 0.00483; gnomAD exomes 0.00541.
gnomAD v4.1: 5,051 of 979,250 alleles (0.52%); highest among the groups gnomAD compares: Non-Finnish European, 0.69%; 14 homozygotes.

Submission:

CeGaT Center for Human Genetics Tuebingen
Classification: Likely benign. Last evaluated: 2022-11-01. Review status: criteria provided, single submitter. Criteria: CeGaT Center For Human Genetics Tuebingen Variant Classification Criteria Version 2. Collection method: clinical testing. Allele origin: germline. Affected: yes. Observed: 1 variant allele.
Comment: MFAP2: BP4, BS2

NM_002403.4(MFAP2):c.521C>G (p.Ala174Gly)

Gene: MFAP2 (microfibril associated protein 2; minus strand). Cytogenetic location: 1p36.13.
Variant type: single nucleotide variant.
Coding change: c.521C>G on transcript NM_002403.4 (MANE Select); coding-DNA position 521, C replaced by G.
Protein change: p.Ala174Gly; replaces alanine 174 with glycine.
Molecular consequence: missense variant.
Genome position (GRCh38, 1-based): chr1:16,974,951, G>C on the plus strand (C>G on the coding strand, the complement: MFAP2 is on the minus strand). VCF-style: chr1-16974951-G-C. GRCh37 (hg19) VCF-style: chr1-17301446-G-C.
Other names: c.518C>G, p.Ala173Gly (NM_001135247.2, NM_001135248.2); c.521C>G, p.Ala174Gly (NM_017459.3); short protein forms A173G, A174G.
Identifiers: ClinVar variation 2638387 (VCV002638387.24), dbSNP rs201874534, ClinGen allele CA636156.
Genomic context (GRCh38, chr1:16,974,951, plus strand): 5'-GGGCCAGGACTCAGGATGCCAGCACCACCCTAGCAGCTCCCACAGCTCCTGGCACAGGAG[G>C]CCGCCACGGATTGGCACAGGCCGCTGCTGGCCATCACGCCACATTTGGAGAACTTGTCCC-3'
Protein context (NP_002394.1, residues 164-183): ASSGLCQSVA[Ala174Gly]SCARSCGSC